The following is an entry in ClinVar:

ClinVar aggregate classification (germline): Uncertain significance (1 of 4 stars; one submission).

Submission:

Labcorp Genetics (formerly Invitae), Labcorp
Classification: Uncertain significance. Last evaluated: 2025-10-04. Review status: criteria provided, single submitter. Criteria: Invitae Variant Classification Sherloc (09022015). Collection method: clinical testing. Allele origin: germline.
Comment: This variant, c.192_194del, results in the deletion of 1 amino acid(s) of the KISS1 protein (p.Ser65del), but otherwise preserves the integrity of the reading frame. This variant is not present in population databases (gnomAD no frequency). This variant has not been reported in the literature in individuals affected with KISS1-related conditions. Experimental studies and prediction algorithms are not available or were not evaluated, and the functional significance of this variant is currently unknown. In summary, the available evidence is currently insufficient to determine the role of this variant in disease. Therefore, it has been classified as a Variant of Uncertain Significance.

NM_002256.4(KISS1):c.192_194del (p.Ser65del)

Gene: KISS1 (KiSS-1 metastasis suppressor; minus strand). Cytogenetic location: 1q32.1.
Variant type: Deletion.
Coding change: c.192_194del on transcript NM_002256.4 (MANE Select); coding-DNA positions 192 to 194, 3 bases deleted (GAG; older notation c.192_194delGAG).
Protein change: p.Ser65del; deletes serine 65.
Molecular consequence: inframe deletion.
Genome position (GRCh38, 1-based): chr1:204,190,707-204,190,709, CTC deleted on the plus strand (GAG on the coding strand, the reverse complement: KISS1 is on the minus strand). VCF-style (leftmost placement, unchanged base first): chr1-204190706-GCTC-G. GRCh37 (hg19) VCF-style: chr1-204159834-GCTC-G.
Other names: short protein forms S65del.
Identifiers: ClinVar variation 4728435 (VCV004728435.1).